The following is an entry in ClinVar:

NM_020911.2(PLXNA4):c.2587-3C>A

Gene: PLXNA4 (plexin A4; minus strand). Cytogenetic location: 7q32.3.
Variant type: single nucleotide variant.
Coding change: c.2587-3C>A on transcript NM_020911.2 (MANE Select); 3 bases into the intron before coding-DNA position 2587, C replaced by A.
Molecular consequence: intron variant.
Genome position (GRCh38, 1-based): chr7:132,198,639, G>T on the plus strand (C>A on the coding strand, the complement: PLXNA4 is on the minus strand). VCF-style: chr7-132198639-G-T. GRCh37 (hg19) VCF-style: chr7-131883398-G-T.
Other names: c.2587-3C>A (NM_001393897.1).
Identifiers: ClinVar variation 3051673 (VCV003051673.2), dbSNP rs376230075, ClinGen allele CA4489758.

ClinVar aggregate classification (germline): Likely benign (0 of 4 stars; one submission).

Conditions:
PLXNA4-related disorder. Also called: PLXNA4-related condition.

Allele frequency attached by ClinVar (database versions not stated): gnomAD exomes 0.00001; ExAC 0.00004; gnomAD 0.00010; ESP Exome Variant Server 0.00017.
gnomAD v4.1: 29 of 1,613,842 alleles (0.0018%); highest among the groups gnomAD compares: African/African-American, 0.037%; no homozygotes.

Submission:

PreventionGenetics, part of Exact Sciences
Classification: Likely benign for PLXNA4-related condition. Last evaluated: 2022-05-05. Review status: no assertion criteria provided. Collection method: clinical testing. Allele origin: germline.
Comment: This variant is classified as likely benign based on ACMG/AMP sequence variant interpretation guidelines (Richards et al. 2015 PMID: 25741868, with internal and published modifications).